The following is an entry in ClinVar:

NM_000289.6(PFKM):c.442G>T (p.Glu148Ter)

Gene: PFKM (phosphofructokinase, muscle; plus strand). Cytogenetic location: 12q13.11.
Variant type: single nucleotide variant.
Coding change: c.442G>T on transcript NM_000289.6 (MANE Select); coding-DNA position 442, G replaced by T.
Protein change: p.Glu148Ter; replaces glutamic acid 148 with a stop codon.
Molecular consequence: nonsense. On other transcripts: non-coding transcript variant (6).
Genome position (GRCh38, 1-based): chr12:48,133,329, G>T. VCF-style: chr12-48133329-G-T. GRCh37 (hg19) VCF-style: chr12-48527112-G-T.
Other names: c.655G>T, p.Glu219Ter (NM_001166686.2, NM_001354737.1, NM_001354738.1 and 2 more transcripts); c.442G>T, p.Glu148Ter (NM_001166687.2, NM_001166688.2, NM_001354742.2 and 4 more transcripts); c.751G>T, p.Glu251Ter (NM_001354735.1, NM_001354736.1); c.586G>T, p.Glu196Ter (NM_001354740.1); c.466G>T, p.Glu156Ter (NM_001354741.2); c.355G>T, p.Glu119Ter (NM_001354745.2); c.292G>T, p.Glu98Ter (NM_001354747.2, NM_001354748.2); short protein forms E119*, E148*, E156*, E196*, E219*, E251*, E98*.
Identifiers: ClinVar variation 5012672 (VCV005012672.1).

ClinVar aggregate classification (germline): Pathogenic (1 of 4 stars; one submission).

Conditions:
Glycogen storage disease, type VII (GSD7). Also called: GSD VII; MUSCLE PHOSPHOFRUCTOKINASE DEFICIENCY; PFKM DEFICIENCY; TARUI DISEASE. Identifiers: Orphanet 371, MedGen C0017926, MONDO:0009295, OMIM 232800.

gnomAD v4.1: 2 of 1,614,142 alleles (0.00012%); highest among the groups gnomAD compares: Non-Finnish European, 0.000085%; no homozygotes.

Submission:

Myriad Genetics, Inc.
Classification: Pathogenic for Glycogen storage disease, type VII. Last evaluated: 2024-01-22. Review status: criteria provided, single submitter. Criteria: Myriad Autosomal Dominant, Autosomal Recessive and X-Linked Classification Criteria (2023). Collection method: clinical testing. Allele origin: unknown.
Comment: NM_001166686.1(PFKM):c.655G>T(E219*) is expected to be pathogenic in the context of glycogen storage disease, PFKM-related. This variant is predicted to lead to an abnormal or absent protein product due to the creation of a premature termination codon in PFKM, a gene where loss-of-function variants are known to be pathogenic. Please note: this variant was assessed in the context of healthy population screening.